The following is an entry in ClinVar:

ClinVar aggregate classification (germline): Likely pathogenic (1 of 4 stars; one submission).

Conditions:
Progressive osseous heteroplasia (POH). Also called: Osteoma cutis; Progressive Osseus Heteroplasia (POH); Osseus Heteroplasia, Progressive; ECTOPIC OSSIFICATION, FAMILIAL. Identifiers: Orphanet 2762, MedGen C0334041, MONDO:0008153, OMIM 166350, HP:0025027.

Submission:

3billion
Classification: Likely pathogenic for Progressive osseous heteroplasia. Last evaluated: 2022-01-03. Review status: criteria provided, single submitter. Criteria: ACMG Guidelines, 2015. Collection method: clinical testing. Allele origin: germline. Affected: yes. Observed: 1 heterozygote.
Comment: Frameshift: predicted to result in a loss or disruption of normal protein function through nonsense-mediated decay (NMD) or protein truncation. Multiple pathogenic variants are reported downstream of the variant (PVS1_VS). It is not observed in the gnomAD v2.1.1 dataset (PM2_M). Therefore, this variant is classified as likely pathogenic according to the recommendation of ACMG/AMP guideline.

NM_000516.7(GNAS):c.880dup (p.Gln294fs)

Gene: GNAS (GNAS complex locus; plus strand). Cytogenetic location: 20q13.32.
Variant type: Duplication.
Coding change: c.880dup on transcript NM_000516.7 (MANE Select); coding-DNA position 880, one base duplicated (C; older notation c.880dupC).
Protein change: p.Gln294fs; shifts the reading frame from glutamine 294.
Molecular consequence: frameshift variant. On other transcripts: 3 prime UTR variant (2).
Genome position (GRCh38, 1-based): chr20:58,909,991, C duplicated. VCF-style (leftmost placement, unchanged base first): chr20-58909990-G-GC. GRCh37 (hg19) VCF-style: chr20-57485045-G-GC.
Other names: c.883dup, p.Gln295fs (NM_001077488.5); c.835dup, p.Gln279fs (NM_001077489.4); c.*741dup (NM_001077490.3); c.703dup, p.Gln235fs (NM_001309840.2, NM_001309861.2); c.*786dup (NM_016592.5); c.2809dup, p.Gln937fs (NM_080425.4); c.838dup, p.Gln280fs (NM_080426.4); short protein forms Q235fs, Q279fs, Q280fs, Q294fs, Q295fs, Q937fs.
Identifiers: ClinVar variation 1333670 (VCV001333670.1), dbSNP rs2146290960, ClinGen allele CA2573054893.